The following is an entry in ClinVar:

ClinVar aggregate classification (germline): Uncertain significance (1 of 4 stars; one submission).

Allele frequency attached by ClinVar (database versions not stated): TOPMed below 0.00001.

Submission:

Labcorp Genetics (formerly Invitae), Labcorp
Classification: Uncertain significance. Last evaluated: 2022-07-09. Review status: criteria provided, single submitter. Criteria: Invitae Variant Classification Sherloc (09022015). Collection method: clinical testing. Allele origin: germline.
Comment: This sequence change replaces isoleucine, which is neutral and non-polar, with methionine, which is neutral and non-polar, at codon 2060 of the CAD protein (p.Ile2060Met). This variant is not present in population databases (gnomAD no frequency). This variant has not been reported in the literature in individuals affected with CAD-related conditions. Algorithms developed to predict the effect of missense changes on protein structure and function are either unavailable or do not agree on the potential impact of this missense change (SIFT: "Deleterious"; PolyPhen-2: "Possibly Damaging"; Align-GVGD: "Class C0"). In summary, the available evidence is currently insufficient to determine the role of this variant in disease. Therefore, it has been classified as a Variant of Uncertain Significance.

NM_004341.5(CAD):c.6180C>G (p.Ile2060Met)

Gene: CAD (carbamoyl-phosphate synthetase 2, aspartate transcarbamylase, and dihydroorotase; plus strand). Cytogenetic location: 2p23.3.
Variant type: single nucleotide variant.
Coding change: c.6180C>G on transcript NM_004341.5 (MANE Select); coding-DNA position 6180, C replaced by G.
Protein change: p.Ile2060Met; replaces isoleucine 2060 with methionine.
Molecular consequence: missense variant.
Genome position (GRCh38, 1-based): chr2:27,242,385, C>G. VCF-style: chr2-27242385-C-G. GRCh37 (hg19) VCF-style: chr2-27465253-C-G.
Other names: c.5991C>G, p.Ile1997Met (NM_001306079.2); short protein forms I1997M, I2060M.
Identifiers: ClinVar variation 2015267 (VCV002015267.1), dbSNP rs1676364584, ClinGen allele CA346224480.